The following is an entry in ClinVar:

NM_022367.4(SEMA4A):c.765C>G (p.Asp255Glu)

Gene: SEMA4A (semaphorin 4A; plus strand). Cytogenetic location: 1q22.
Variant type: single nucleotide variant.
Coding change: c.765C>G on transcript NM_022367.4 (MANE Select); coding-DNA position 765, C replaced by G.
Protein change: p.Asp255Glu; replaces aspartic acid 255 with glutamic acid.
Molecular consequence: missense variant.
Genome position (GRCh38, 1-based): chr1:156,160,984, C>G. VCF-style: chr1-156160984-C-G. GRCh37 (hg19) VCF-style: chr1-156130775-C-G.
Other names: c.765C>G, p.Asp255Glu (NM_001193300.2, NM_001193301.2, NM_001370567.1); c.369C>G, p.Asp123Glu (NM_001193302.2); c.468C>G, p.Asp156Glu (NM_001370568.1); c.258C>G, p.Asp86Glu (NM_001370569.1, NM_001370571.1); short protein forms D123E, D156E, D255E, D86E.
Identifiers: ClinVar variation 1020555 (VCV001020555.10), dbSNP rs962638953, ClinGen allele CA342838649.

ClinVar aggregate classification (germline): Uncertain significance (1 of 4 stars; one submission).

Allele frequency attached by ClinVar (database versions not stated): gnomAD exomes below 0.00001 and 0.00001; gnomAD 0.00002; TOPMed 0.00004.
gnomAD v4.1: 7 of 1,612,340 alleles (0.00043%); highest among the groups gnomAD compares: Non-Finnish European, 0.00059%; no homozygotes.

Submission:

Labcorp Genetics (formerly Invitae), Labcorp
Classification: Uncertain significance. Last evaluated: 2022-04-18. Review status: criteria provided, single submitter. Criteria: Invitae Variant Classification Sherloc (09022015). Collection method: clinical testing. Allele origin: germline.
Comment: ClinVar contains an entry for this variant (Variation ID: 1020555). Algorithms developed to predict the effect of missense changes on protein structure and function output the following: SIFT: "Tolerated"; PolyPhen-2: "Benign"; Align-GVGD: "Class C0". The glutamic acid amino acid residue is found in multiple mammalian species, which suggests that this missense change does not adversely affect protein function. In summary, the available evidence is currently insufficient to determine the role of this variant in disease. Therefore, it has been classified as a Variant of Uncertain Significance. This variant has not been reported in the literature in individuals affected with SEMA4A-related conditions. This variant is present in population databases (no rsID available, gnomAD 0.002%). This sequence change replaces aspartic acid, which is acidic and polar, with glutamic acid, which is acidic and polar, at codon 255 of the SEMA4A protein (p.Asp255Glu).